The following is an entry in ClinVar:

NM_001077350.3(NPRL3):c.952T>C (p.Tyr318His)

Genes: HBA-LCR (alpha-globin locus control region; plus strand), NPRL3 (NPR3 like, GATOR1 complex subunit; minus strand). Cytogenetic location: 16p13.3.
Variant type: single nucleotide variant.
Coding change: c.952T>C on transcript NM_001077350.3 (MANE Select); coding-DNA position 952, T replaced by C.
Protein change: p.Tyr318His; replaces tyrosine 318 with histidine.
Molecular consequence: missense variant.
Genome position (GRCh38, 1-based): chr16:93,298, A>G on the plus strand (T>C on the coding strand, the complement: NPRL3 is on the minus strand). VCF-style: chr16-93298-A-G. GRCh37 (hg19) VCF-style: chr16-143296-A-G.
Other names: c.415T>C, p.Tyr139His (NM_001039476.3); c.718T>C, p.Tyr240His (NM_001243247.2); c.877T>C, p.Tyr293His (NM_001243248.2, NM_001243249.2); short protein forms Y139H, Y240H, Y293H, Y318H.
Identifiers: ClinVar variation 1307481 (VCV001307481.2), dbSNP rs2141909396, ClinGen allele CA394053726.
Genomic context (GRCh38, chr16:93,298, plus strand): 5'-GAGACAGCATGTAGACGTTGTTCTCACACAGCGGGTAGATGATGATGGCCTTGCCCCAGT[A>G]CACCAGATGAGCTGCAAGCTGGAAAACCTGCAGGCAAAAGGGAAGCTGCAAGGACCATGC-3'
Protein context (NP_001070818.1, residues 308-328): QVFQLAAHLV[Tyr318His]WGKAIIIYPL

ClinVar aggregate classification (germline): Uncertain significance (1 of 4 stars; one submission).

Submission:

GeneDx
Classification: Uncertain significance. Last evaluated: 2019-07-26. Review status: criteria provided, single submitter. Criteria: GeneDx Variant Classification Process June 2021. Collection method: clinical testing. Allele origin: germline. Affected: yes.
Comment: Has not been previously published as pathogenic or benign to our knowledge; Not observed in large population cohorts (Lek et al., 2016); In silico analysis, which includes protein predictors and evolutionary conservation, supports a deleterious effect